The following is an entry in ClinVar:

NM_153717.3(EVC):c.*2132A>G

Gene: EVC (EvC ciliary complex subunit 1; plus strand). Cytogenetic location: 4p16.2.
Variant type: single nucleotide variant.
Coding change: c.*2132A>G on transcript NM_153717.3 (MANE Select); 2132 bases downstream of the stop codon, A replaced by G.
Molecular consequence: 3 prime UTR variant.
Genome position (GRCh38, 1-based): chr4:5,813,169, A>G. VCF-style: chr4-5813169-A-G. GRCh37 (hg19) VCF-style: chr4-5814896-A-G.
Other names: c.*2132A>G (NM_001306090.2).
Identifiers: ClinVar variation 349265 (VCV000349265.5), dbSNP rs11939264, ClinGen allele CA10618978.

ClinVar aggregate classification (germline): Benign (1 of 4 stars; one submission).

Conditions:
Ellis-van Creveld syndrome (EVC). Also called: EVC-Related Ellis-van Creveld Syndrome; EVC2-Related Ellis-van Creveld Syndrome; MESOECTODERMAL DYSPLASIA; Chondroectodermal dysplasia. Identifiers: Orphanet 289, MedGen C0013903, MONDO:0009162, OMIM 225500.

Allele frequency attached by ClinVar (database versions not stated): gnomAD 0.00499 and 0.00524; TOPMed 0.00524; 1000 Genomes Project 0.00739; 1000 Genomes Project 30x 0.00750.

Submission:

Illumina Laboratory Services, Illumina
Classification: Benign for Ellis-van Creveld syndrome. Last evaluated: 2018-01-13. Review status: criteria provided, single submitter. Criteria: ICSL Variant Classification Criteria 13 December 2019. Collection method: clinical testing. Allele origin: germline.
Comment: This variant was observed in the ICSL laboratory as part of a predisposition screen in an ostensibly healthy population. It had not been previously curated by ICSL or reported in the Human Gene Mutation Database (HGMD: prior to June 1st, 2018), and was therefore a candidate for classification through an automated scoring system. Utilizing variant allele frequency, disease prevalence and penetrance estimates, and inheritance mode, an automated score was calculated to assess if this variant is too frequent to cause the disease. Based on the score and internal cut-off values, a variant classified as benign is not then subjected to further curation. The score for this variant resulted in a classification of benign for this disease.